The following is an entry in ClinVar:

NM_032043.3(BRIP1):c.2521G>A (p.Ala841Thr)

Gene: BRIP1 (BRCA1 interacting DNA helicase 1; minus strand). Cytogenetic location: 17q23.2.
Variant type: single nucleotide variant.
Coding change: c.2521G>A on transcript NM_032043.3 (MANE Select); coding-DNA position 2521, G replaced by A.
Protein change: p.Ala841Thr; replaces alanine 841 with threonine.
Molecular consequence: missense variant.
Genome position (GRCh38, 1-based): chr17:61,693,484, C>T on the plus strand (G>A on the coding strand, the complement: BRIP1 is on the minus strand). VCF-style: chr17-61693484-C-T. GRCh37 (hg19) VCF-style: chr17-59770845-C-T.
Other names: short protein forms A841T.
Identifiers: ClinVar variation 461116 (VCV000461116.22), dbSNP rs1555574790, ClinGen allele CA400482445.

ClinVar aggregate classification (germline): Uncertain significance. Review status: criteria provided, multiple submitters, no conflicts (2 of 4 stars). 3 submissions from 3 submitters: Uncertain significance (3). Last evaluated 2024-03-24.

Conditions:
Hereditary cancer-predisposing syndrome. Also called: Hereditary neoplastic syndrome; Neoplastic Syndromes, Hereditary; Tumor predisposition; Hereditary Cancer Syndrome. Identifiers: Orphanet 140162, MedGen C0027672, MeSH D009386, MONDO:0015356.
Fanconi anemia complementation group J. Also called: BRIP1-Related Fanconi Anemia. Identifiers: Orphanet 84, MedGen C1836860, MONDO:0012187, OMIM 609054.
Familial cancer of breast. Also called: BREAST CANCER, FAMILIAL; hereditary breast carcinoma; Hereditary breast cancer. Identifiers: Orphanet 227535, MedGen C0346153, MONDO:0016419, OMIM 114480. Disease mechanism: loss of function.

Allele frequency attached by ClinVar (database versions not stated): gnomAD exomes below 0.00001.
gnomAD v4.1: 3 of 1,613,350 alleles (0.00019%); highest among the groups gnomAD compares: Non-Finnish European, 0.00025%; no homozygotes.

Submissions (3):

Labcorp Genetics (formerly Invitae), Labcorp
Classification: Uncertain significance for Familial cancer of breast; Fanconi anemia complementation group J. Last evaluated: 2024-03-24. Review status: criteria provided, single submitter. Criteria: Invitae Variant Classification Sherloc (09022015). Collection method: clinical testing. Allele origin: germline.
Comment: This sequence change replaces alanine, which is neutral and non-polar, with threonine, which is neutral and polar, at codon 841 of the BRIP1 protein (p.Ala841Thr). This variant is not present in population databases (gnomAD no frequency). This variant has not been reported in the literature in individuals affected with BRIP1-related conditions. ClinVar contains an entry for this variant (Variation ID: 461116). Advanced modeling of protein sequence and biophysical properties (such as structural, functional, and spatial information, amino acid conservation, physicochemical variation, residue mobility, and thermodynamic stability) performed at Invitae indicates that this missense variant is expected to disrupt BRIP1 protein function with a positive predictive value of 80%. In summary, the available evidence is currently insufficient to determine the role of this variant in disease. Therefore, it has been classified as a Variant of Uncertain Significance.

Color Diagnostics, LLC DBA Color Health
Classification: Uncertain significance for Hereditary cancer-predisposing syndrome. Last evaluated: 2023-12-05. Review status: criteria provided, single submitter. Criteria: ACMG Guidelines, 2015. Collection method: clinical testing. Allele origin: germline.
Comment: This missense variant replaces alanine with threonine at codon 841 of the BRIP1 protein. Computational prediction suggests that this variant may have deleterious impact on protein structure and function (internally defined REVEL score threshold >= 0.7, PMID: 27666373). To our knowledge, functional studies have not been reported for this variant. This variant has not been reported in individuals affected with BRIP1-related disorders in the literature. This variant has not been identified in the general population by the Genome Aggregation Database (gnomAD). The available evidence is insufficient to determine the role of this variant in disease conclusively. Therefore, this variant is classified as a Variant of Uncertain Significance.

Ambry Genetics
Classification: Uncertain significance for Hereditary cancer-predisposing syndrome. Last evaluated: 2023-10-10. Review status: criteria provided, single submitter. Criteria: Ambry Variant Classification Scheme 2023. Collection method: clinical testing. Allele origin: germline.
Comment: The p.A841T variant (also known as c.2521G>A), located in coding exon 17 of the BRIP1 gene, results from a G to A substitution at nucleotide position 2521. The alanine at codon 841 is replaced by threonine, an amino acid with similar properties. This amino acid position is highly conserved in available vertebrate species. In addition, this alteration is predicted to be deleterious by in silico analysis. Since supporting evidence is limited at this time, the clinical significance of this alteration remains unclear.